The following is an entry in ClinVar:

ClinVar aggregate classification (germline): Uncertain significance (1 of 4 stars; one submission).

Submission:

Labcorp Genetics (formerly Invitae), Labcorp
Classification: Uncertain significance. Last evaluated: 2024-11-04. Review status: criteria provided, single submitter. Criteria: Invitae Variant Classification Sherloc (09022015). Collection method: clinical testing. Allele origin: germline.
Comment: This sequence change replaces leucine, which is neutral and non-polar, with proline, which is neutral and non-polar, at codon 326 of the TUBGCP6 protein (p.Leu326Pro). This variant is not present in population databases (gnomAD no frequency). This variant has not been reported in the literature in individuals affected with TUBGCP6-related conditions. ClinVar contains an entry for this variant (Variation ID: 1487976). An algorithm developed to predict the effect of missense changes on protein structure and function (PolyPhen-2) suggests that this variant is likely to be disruptive. In summary, the available evidence is currently insufficient to determine the role of this variant in disease. Therefore, it has been classified as a Variant of Uncertain Significance.

NM_020461.4(TUBGCP6):c.977T>C (p.Leu326Pro)

Gene: TUBGCP6 (tubulin gamma complex component 6; minus strand). Cytogenetic location: 22q13.33.
Variant type: single nucleotide variant.
Coding change: c.977T>C on transcript NM_020461.4 (MANE Select); coding-DNA position 977, T replaced by C.
Protein change: p.Leu326Pro; replaces leucine 326 with proline.
Molecular consequence: missense variant.
Genome position (GRCh38, 1-based): chr22:50,233,455, A>G on the plus strand (T>C on the coding strand, the complement: TUBGCP6 is on the minus strand). VCF-style: chr22-50233455-A-G. GRCh37 (hg19) VCF-style: chr22-50671884-A-G.
Other names: short protein forms L326P.
Identifiers: ClinVar variation 1487976 (VCV001487976.6), dbSNP rs2147200911, ClinGen allele CA412110156.